The following is an entry in ClinVar:

ClinVar aggregate classification (germline): Uncertain significance (1 of 4 stars; one submission).

Allele frequency attached by ClinVar (database versions not stated): TOPMed below 0.00001; ExAC 0.00001; gnomAD exomes 0.00002.
gnomAD v4.1: 28 of 1,603,032 alleles (0.0017%); highest among the groups gnomAD compares: Non-Finnish European, 0.0024%; no homozygotes.

Submission:

Labcorp Genetics (formerly Invitae), Labcorp
Classification: Uncertain significance. Last evaluated: 2022-12-31. Review status: criteria provided, single submitter. Criteria: Invitae Variant Classification Sherloc (09022015). Collection method: clinical testing. Allele origin: germline.
Comment: In summary, the available evidence is currently insufficient to determine the role of this variant in disease. Therefore, it has been classified as a Variant of Uncertain Significance. Variants that disrupt the consensus splice site are a relatively common cause of aberrant splicing (PMID: 17576681, 9536098). Algorithms developed to predict the effect of sequence changes on RNA splicing suggest that this variant is not likely to affect RNA splicing. This variant has not been reported in the literature in individuals affected with LYN-related conditions. This variant is present in population databases (rs759334958, gnomAD 0.0009%). This sequence change falls in intron 11 of the LYN gene. It does not directly change the encoded amino acid sequence of the LYN protein. It affects a nucleotide within the consensus splice site.

Literature cited by the submitters: PubMed 17576681; PubMed 9536098.

NM_002350.4(LYN):c.1204+5G>A

Gene: LYN (LYN proto-oncogene, Src family tyrosine kinase; plus strand). Cytogenetic location: 8q12.1.
Variant type: single nucleotide variant.
Coding change: c.1204+5G>A on transcript NM_002350.4 (MANE Select); 5 bases into the intron after coding-DNA position 1204, G replaced by A.
Molecular consequence: intron variant.
Genome position (GRCh38, 1-based): chr8:55,998,504, G>A. VCF-style: chr8-55998504-G-A. GRCh37 (hg19) VCF-style: chr8-56911063-G-A.
Other names: c.1141+5G>A (NM_001111097.3).
Identifiers: ClinVar variation 2814163 (VCV002814163.3), dbSNP rs759334958, ClinGen allele CA4754199.